The following is an entry in ClinVar:

NM_006231.4(POLE):c.1474G>C (p.Val492Leu)

Gene: POLE (DNA polymerase epsilon, catalytic subunit; minus strand). Cytogenetic location: 12q24.33.
Variant type: single nucleotide variant.
Coding change: c.1474G>C on transcript NM_006231.4 (MANE Select); coding-DNA position 1474, G replaced by C.
Protein change: p.Val492Leu; replaces valine 492 with leucine.
Molecular consequence: missense variant.
Genome position (GRCh38, 1-based): chr12:132,672,839, C>G on the plus strand (G>C on the coding strand, the complement: POLE is on the minus strand). VCF-style: chr12-132672839-C-G. GRCh37 (hg19) VCF-style: chr12-133249425-C-G.
Other names: short protein forms V492L.
Identifiers: ClinVar variation 3225391 (VCV003225391.1), dbSNP rs1374629879, ClinGen allele CA387357834.

ClinVar aggregate classification (germline): Uncertain significance (1 of 4 stars; one submission).

Conditions:
Hereditary cancer-predisposing syndrome. Also called: Neoplastic Syndromes, Hereditary; Tumor predisposition; Hereditary neoplastic syndrome; Hereditary Cancer Syndrome. Identifiers: Orphanet 140162, MedGen C0027672, MeSH D009386, MONDO:0015356.

Submission:

Ambry Genetics
Classification: Uncertain significance for Hereditary cancer-predisposing syndrome. Last evaluated: 2024-01-25. Review status: criteria provided, single submitter. Criteria: Ambry Variant Classification Scheme 2023. Collection method: clinical testing. Allele origin: germline.
Comment: The p.V492L variant (also known as c.1474G>C) is located in coding exon 15 of the POLE gene. The valine at codon 492 is replaced by leucine, an amino acid with highly similar properties. This change occurs in the first base pair of coding exon 15. This amino acid position is conserved. In addition, the in silico prediction for this alteration is inconclusive. Based on the available evidence, the clinical significance of this alteration remains unclear.